The following is an entry in ClinVar:

NM_001040108.2(MLH3):c.1528A>G (p.Ser510Gly)

Gene: MLH3 (mutL homolog 3; minus strand). Cytogenetic location: 14q24.3.
Variant type: single nucleotide variant.
Coding change: c.1528A>G on transcript NM_001040108.2 (MANE Select); coding-DNA position 1528, A replaced by G.
Protein change: p.Ser510Gly; replaces serine 510 with glycine.
Molecular consequence: missense variant.
Genome position (GRCh38, 1-based): chr14:75,048,128, T>C on the plus strand (A>G on the coding strand, the complement: MLH3 is on the minus strand). VCF-style: chr14-75048128-T-C. GRCh37 (hg19) VCF-style: chr14-75514831-T-C.
Other names: c.1528A>G, p.Ser510Gly (NM_014381.3); short protein forms S510G.
Identifiers: ClinVar variation 3729471 (VCV003729471.3).
Genomic context (GRCh38, chr14:75,048,128, plus strand): 5'-CTTTCCATATTTCTAGATCCTGCCCACTCTCCTCAAAGTGACATGGTGTCTGAAAAGGGC[T>C]TAAAAACATTTCTAAACTGGTTCCACACGGATTTTCTAAAGAGCTATGTTCCAGGAAAGA-3'
Protein context (NP_001035197.1, residues 500-520): PCGTSLEMFL[Ser510Gly]PFQTPCHFEE

ClinVar aggregate classification (germline): Uncertain significance. Review status: criteria provided, multiple submitters, no conflicts (2 of 4 stars). 2 submissions from 2 submitters: Uncertain significance (2). Last evaluated 2025-08-11.

Conditions:
Colorectal cancer, hereditary nonpolyposis, type 7. Identifiers: Orphanet 144, MedGen C1858380, MONDO:0013725, OMIM 614385.

Submissions (2):

Ambry Genetics
Classification: Uncertain significance. Last evaluated: 2025-08-11. Review status: criteria provided, single submitter. Criteria: Ambry Variant Classification Scheme 2023. Collection method: clinical testing. Allele origin: germline.
Comment: The p.S510G variant (also known as c.1528A>G), located in coding exon 1 of the MLH3 gene, results from an A to G substitution at nucleotide position 1528. The serine at codon 510 is replaced by glycine, an amino acid with similar properties. This amino acid position is conserved. In addition, this alteration is predicted to be tolerated by in silico analysis. Based on the available evidence, the clinical significance of this variant remains unclear.

Labcorp Genetics (formerly Invitae), Labcorp
Classification: Uncertain significance for Colorectal cancer, hereditary nonpolyposis, type 7. Last evaluated: 2025-08-07. Review status: criteria provided, single submitter. Criteria: Invitae Variant Classification Sherloc (09022015). Collection method: clinical testing. Allele origin: germline.
Comment: This sequence change replaces serine, which is neutral and polar, with glycine, which is neutral and non-polar, at codon 510 of the MLH3 protein (p.Ser510Gly). This variant is not present in population databases (gnomAD no frequency). This variant has not been reported in the literature in individuals affected with MLH3-related conditions. ClinVar contains an entry for this variant (Variation ID: 3729471). An algorithm developed to predict the effect of missense changes on protein structure and function outputs the following: PolyPhen-2: "Benign". The glycine amino acid residue is found in multiple mammalian species, which suggests that this missense change does not adversely affect protein function. In summary, the available evidence is currently insufficient to determine the role of this variant in disease. Therefore, it has been classified as a Variant of Uncertain Significance.